The following is an entry in ClinVar:

NM_000057.4(BLM):c.431C>T (p.Ser144Leu)

Gene: BLM (BLM RecQ like helicase; plus strand). Cytogenetic location: 15q26.1.
Variant type: single nucleotide variant.
Coding change: c.431C>T on transcript NM_000057.4 (MANE Select); coding-DNA position 431, C replaced by T.
Protein change: p.Ser144Leu; replaces serine 144 with leucine.
Molecular consequence: missense variant. On other transcripts: 5 prime UTR variant (1).
Genome position (GRCh38, 1-based): chr15:90,749,699, C>T. VCF-style: chr15-90749699-C-T. GRCh37 (hg19) VCF-style: chr15-91292929-C-T.
Other names: c.431C>T, p.Ser144Leu (NM_001287246.2, NM_001287247.2); c.-861C>T (NM_001287248.2); short protein forms S144L.
Identifiers: ClinVar variation 824790 (VCV000824790.12), dbSNP rs1596218439, ClinGen allele CA393840534.

ClinVar aggregate classification (germline): Uncertain significance. Review status: criteria provided, multiple submitters, no conflicts (2 of 4 stars). 2 submissions from 2 submitters: Uncertain significance (2). Last evaluated 2025-10-28.

Conditions:
Bloom syndrome (BLM). Also called: Bloom-Torre-Machacek syndrome. Identifiers: Orphanet 125, MedGen C0005859, MONDO:0008876, OMIM 210900.
Hereditary cancer-predisposing syndrome. Also called: Neoplastic Syndromes, Hereditary; Tumor predisposition; Hereditary neoplastic syndrome; Hereditary Cancer Syndrome. Identifiers: Orphanet 140162, MedGen C0027672, MeSH D009386, MONDO:0015356.

Allele frequency attached by ClinVar (database versions not stated): gnomAD exomes below 0.00001.
gnomAD v4.1: 1 of 1,614,148 alleles (0.000062%); highest among the groups gnomAD compares: Non-Finnish European, 0.000085%; no homozygotes.

Submissions (2):

Labcorp Genetics (formerly Invitae), Labcorp
Classification: Uncertain significance for Bloom syndrome. Last evaluated: 2025-10-28. Review status: criteria provided, single submitter. Criteria: Invitae Variant Classification Sherloc (09022015). Collection method: clinical testing. Allele origin: germline.
Comment: This sequence change replaces serine, which is neutral and polar, with leucine, which is neutral and non-polar, at codon 144 of the BLM protein (p.Ser144Leu). This variant is not present in population databases (gnomAD no frequency). This variant has not been reported in the literature in individuals affected with BLM-related conditions. ClinVar contains an entry for this variant (Variation ID: 824790). An algorithm developed to predict the effect of missense changes on protein structure and function (PolyPhen-2) suggests that this variant is likely to be disruptive. In summary, the available evidence is currently insufficient to determine the role of this variant in disease. Therefore, it has been classified as a Variant of Uncertain Significance.

Ambry Genetics
Classification: Uncertain significance for Hereditary cancer-predisposing syndrome. Last evaluated: 2024-02-02. Review status: criteria provided, single submitter. Criteria: Ambry Variant Classification Scheme 2023. Collection method: clinical testing. Allele origin: germline.
Comment: The p.S144L variant (also known as c.431C>T), located in coding exon 2 of the BLM gene, results from a C to T substitution at nucleotide position 431. The serine at codon 144 is replaced by leucine, an amino acid with dissimilar properties. This amino acid position is highly conserved in available vertebrate species. In addition, the in silico prediction for this alteration is inconclusive. Since supporting evidence is limited at this time, the clinical significance of this alteration remains unclear.